The following is an entry in ClinVar:

ClinVar aggregate classification (germline): Benign (3 of 4 stars; one submission).

Conditions:
Breast-ovarian cancer, familial, susceptibility to, 2 (BROVCA2). Also called: BRCA2 Hereditary Breast and Ovarian Cancer. Identifiers: Orphanet 145, MedGen C2675520, MONDO:0012933, OMIM 612555. Disease mechanism: loss of function.

Allele frequency attached by ClinVar (database versions not stated): gnomAD 0.00182 and 0.00189; TOPMed 0.00205; 1000 Genomes Project 0.00300; 1000 Genomes Project 30x 0.00344.
gnomAD v4.1: 273 of 152,260 alleles (0.18%); highest among the groups gnomAD compares: African/African-American, 0.63%; 1 homozygote.

Submission:

Evidence-based Network for the Interpretation of Germline Mutant Alleles (ENIGMA)
Classification: Benign for Breast-ovarian cancer, familial, susceptibility to, 2. Last evaluated: 2016-09-28. Review status: reviewed by expert panel. Criteria: ENIGMA BRCA1/2 Classification Criteria (2015). Collection method: curation. Allele origin: germline.
Comment: Class 1 not pathogenic based on frequency >1% in an outbred sampleset. Frequency 0.0113 (African), derived from 1000 genomes (2013-05-02).

NM_000059.4(BRCA2):c.1909+389C>T

Gene: BRCA2 (BRCA2 DNA repair associated; plus strand). Cytogenetic location: 13q13.1.
Variant type: single nucleotide variant.
Coding change: c.1909+389C>T on transcript NM_000059.4 (MANE Select); 389 bases into the intron after coding-DNA position 1909, C replaced by T.
Molecular consequence: intron variant.
Genome position (GRCh38, 1-based): chr13:32,333,776, C>T. VCF-style: chr13-32333776-C-T. GRCh37 (hg19) VCF-style: chr13-32907913-C-T.
Identifiers: ClinVar variation 264961 (VCV000264961.1), dbSNP rs145137109, ClinGen allele CA10588090.